The following is an entry in ClinVar:

ClinVar aggregate classification (germline): Uncertain significance (1 of 4 stars; one submission).

Allele frequency attached by ClinVar (database versions not stated): ExAC 0.00001; gnomAD 0.00002; TOPMed 0.00003; ESP Exome Variant Server 0.00008.
gnomAD v4.1: 5 of 1,611,412 alleles (0.00031%); highest among the groups gnomAD compares: African/African-American, 0.0067%; no homozygotes.

Submission:

Labcorp Genetics (formerly Invitae), Labcorp
Classification: Uncertain significance. Last evaluated: 2025-10-15. Review status: criteria provided, single submitter. Criteria: Invitae Variant Classification Sherloc (09022015). Collection method: clinical testing. Allele origin: germline.
Comment: This sequence change replaces glycine, which is neutral and non-polar, with valine, which is neutral and non-polar, at codon 1153 of the CARMIL2 protein (p.Gly1153Val). The frequency data for this variant in the population databases is considered unreliable, as metrics indicate poor data quality at this position in the gnomAD database. This variant has not been reported in the literature in individuals affected with CARMIL2-related conditions. ClinVar contains an entry for this variant (Variation ID: 1486267). An algorithm developed to predict the effect of missense changes on protein structure and function (PolyPhen-2) suggests that this variant is likely to be disruptive. In summary, the available evidence is currently insufficient to determine the role of this variant in disease. Therefore, it has been classified as a Variant of Uncertain Significance.

NM_001013838.3(CARMIL2):c.3458G>T (p.Gly1153Val)

Gene: CARMIL2 (capping protein regulator and myosin 1 linker 2; plus strand). Cytogenetic location: 16q22.1.
Variant type: single nucleotide variant.
Coding change: c.3458G>T on transcript NM_001013838.3 (MANE Select); coding-DNA position 3458, G replaced by T.
Protein change: p.Gly1153Val; replaces glycine 1153 with valine.
Molecular consequence: missense variant.
Genome position (GRCh38, 1-based): chr16:67,654,568, G>T. VCF-style: chr16-67654568-G-T. GRCh37 (hg19) VCF-style: chr16-67688471-G-T.
Other names: c.3350G>T, p.Gly1117Val (NM_001317026.3); short protein forms G1153V, G1117V.
Identifiers: ClinVar variation 1486267 (VCV001486267.8), dbSNP rs371652381, ClinGen allele CA8114016.